The following is an entry in ClinVar:

NM_001079.4(ZAP70):c.1751C>T (p.Pro584Leu)

Gene: ZAP70 (zeta chain of T cell receptor associated protein kinase 70; plus strand). Cytogenetic location: 2q11.2.
Variant type: single nucleotide variant.
Coding change: c.1751C>T on transcript NM_001079.4 (MANE Select); coding-DNA position 1751, C replaced by T.
Protein change: p.Pro584Leu; replaces proline 584 with leucine.
Molecular consequence: missense variant.
Genome position (GRCh38, 1-based): chr2:97,739,389, C>T. VCF-style: chr2-97739389-C-T. GRCh37 (hg19) VCF-style: chr2-98355852-C-T.
Other names: c.1751C>T (NM_001079.3); c.1751C>T, p.Pro584Leu (NM_001378594.1); c.830C>T, p.Pro277Leu (NM_207519.2); short protein forms P584L, P277L.
Identifiers: ClinVar variation 1475841 (VCV001475841.9), dbSNP rs201469439, ClinGen allele CA1790567.
Genomic context (GRCh38, chr2:97,739,389, plus strand): 5'-TCCTGGGGGCGTGGTCAGCAGCCTGGATGTACCCCACGCCCCACAGGTGGGAGGATCGCC[C>T]CGACTTCCTGACCGTGGAGCAGCGCATGCGAGCCTGTTACTACAGCCTGGCCAGCAAGGT-3'
Protein context (NP_001070.2, residues 574-594): DCWIYKWEDR[Pro584Leu]DFLTVEQRMR

ClinVar aggregate classification (germline): Uncertain significance. Review status: criteria provided, multiple submitters, no conflicts (2 of 4 stars). 3 submissions from 3 submitters: Uncertain significance (3). Last evaluated 2024-07-30.

Conditions:
Combined immunodeficiency due to ZAP70 deficiency (IMD48). Also called: ZAP70 Deficiency; Immunodeficiency 48. Identifiers: Orphanet 911, MedGen C2931299, MONDO:0010023, OMIM 269840.
Inborn genetic diseases. Identifiers: MedGen C0950123, MeSH D030342.

Allele frequency attached by ClinVar (database versions not stated): gnomAD 0.00001; ExAC 0.00002; TOPMed 0.00002; gnomAD exomes 0.00001 and 0.00005.
gnomAD v4.1: 82 of 1,613,420 alleles (0.0051%); highest among the groups gnomAD compares: Non-Finnish European, 0.0064%; no homozygotes.

Submissions (3):

Ambry Genetics
Classification: Uncertain significance for Inborn genetic diseases. Last evaluated: 2024-07-30. Review status: criteria provided, single submitter. Criteria: Ambry Variant Classification Scheme 2023. Collection method: clinical testing. Allele origin: germline.

Blueprint Genetics
Classification: Uncertain significance. Last evaluated: 2024-01-04. Review status: criteria provided, single submitter. Criteria: ACMG Guidelines, 2015. Collection method: clinical testing. Allele origin: germline.

Labcorp Genetics (formerly Invitae), Labcorp
Classification: Uncertain significance for Combined immunodeficiency due to ZAP70 deficiency. Last evaluated: 2022-07-19. Review status: criteria provided, single submitter. Criteria: Invitae Variant Classification Sherloc (09022015). Collection method: clinical testing. Allele origin: germline.
Comment: This sequence change replaces proline with leucine at codon 584 of the ZAP70 protein (p.Pro584Leu). The proline residue is highly conserved and there is a moderate physicochemical difference between proline and leucine. ClinVar contains an entry for this variant (Variation ID: 1475841). This variant has not been reported in the literature in individuals affected with ZAP70-related conditions. This variant is present in population databases (rs201469439, gnomAD 0.003%). Algorithms developed to predict the effect of missense changes on protein structure and function are either unavailable or do not agree on the potential impact of this missense change (SIFT: "Not Available"; PolyPhen-2: "Possibly Damaging"; Align-GVGD: "Not Available"). In summary, the available evidence is currently insufficient to determine the role of this variant in disease. Therefore, it has been classified as a Variant of Uncertain Significance.